The following is an entry in ClinVar:

NM_016333.4(SRRM2):c.3419_3420insACC (p.Ser1140_Asp1141insPro)

Gene: SRRM2 (serine/arginine repetitive matrix 2; plus strand). Cytogenetic location: 16p13.3.
Variant type: Insertion.
Coding change: c.3419_3420insACC on transcript NM_016333.4 (MANE Select); coding-DNA positions 3419 to 3420, ACC inserted.
Protein change: p.Ser1140_Asp1141insPro.
Molecular consequence: inframe insertion.
Genome position: GRCh38 VCF-style: chr16-2763946-T-TCAC. GRCh37 (hg19) VCF-style: chr16-2813947-T-TCAC.
Identifiers: ClinVar variation 4879322 (VCV004879322.1).

ClinVar aggregate classification (germline): Uncertain significance (1 of 4 stars; one submission).

Conditions:
Intellectual developmental disorder, autosomal dominant 72 (MRD72). Identifiers: Orphanet 652487, MedGen C5830612, MONDO:0957397, OMIM 620439.

Submission:

Clinical Genomics Laboratory, Washington University in St. Louis
Classification: Uncertain significance for Intellectual developmental disorder, autosomal dominant 72. Last evaluated: 2025-12-18. Review status: criteria provided, single submitter. Criteria: ACMG Guidelines, 2015. Collection method: clinical testing. Allele origin: germline.
Comment: The SRRM2 c.3419_3420insACC (p.Ser1140_Asp1141insPro) variant, to our knowledge, has not been reported in the medical literature. This variant is absent from the general population (gnomAD v2.1.1), indicating it is not a common variant. This variant is predicted to cause a change in the length of the protein due to an in-frame insertion of a single amino acid in a non-repeat region. Due to limited information, and based on ACMG/AMP guidelines for variant interpretation (Richards S et al., PMID: 25741868), the clinical significance of this variant is uncertain at this time.